The following is an entry in ClinVar:

NM_004787.4(SLIT2):c.3535C>T (p.Arg1179Trp)

Gene: SLIT2 (slit guidance ligand 2; plus strand). Cytogenetic location: 4p15.31.
Variant type: single nucleotide variant.
Coding change: c.3535C>T on transcript NM_004787.4 (MANE Select); coding-DNA position 3535, C replaced by T.
Protein change: p.Arg1179Trp; replaces arginine 1179 with tryptophan.
Molecular consequence: missense variant.
Genome position (GRCh38, 1-based): chr4:20,596,629, C>T. VCF-style: chr4-20596629-C-T. GRCh37 (hg19) VCF-style: chr4-20598252-C-T.
Other names: c.3523C>T, p.Arg1175Trp (NM_001289135.3); c.3511C>T, p.Arg1171Trp (NM_001289136.3); c.3535C>T (NM_004787.1); short protein forms R1175W, R1179W, R1171W.
Identifiers: ClinVar variation 1919472 (VCV001919472.6), dbSNP rs749651492, ClinGen allele CA2872198.

ClinVar aggregate classification (germline): Uncertain significance. Review status: criteria provided, multiple submitters, no conflicts (2 of 4 stars). 2 submissions from 2 submitters: Uncertain significance (2). Last evaluated 2025-06-12.

Allele frequency attached by ClinVar (database versions not stated): ExAC 0.00001; TOPMed 0.00001; gnomAD 0.00002.
gnomAD v4.1: 15 of 1,613,270 alleles (0.00093%); highest among the groups gnomAD compares: South Asian, 0.0033%; no homozygotes.

Submissions (2):

Labcorp Genetics (formerly Invitae), Labcorp
Classification: Uncertain significance. Last evaluated: 2025-06-12. Review status: criteria provided, single submitter. Criteria: Invitae Variant Classification Sherloc (09022015). Collection method: clinical testing. Allele origin: germline.
Comment: This sequence change replaces arginine, which is basic and polar, with tryptophan, which is neutral and slightly polar, at codon 1179 of the SLIT2 protein (p.Arg1179Trp). This variant is present in population databases (rs749651492, gnomAD 0.003%). This variant has not been reported in the literature in individuals affected with SLIT2-related conditions. ClinVar contains an entry for this variant (Variation ID: 1919472). An algorithm developed to predict the effect of missense changes on protein structure and function outputs the following: PolyPhen-2: "Benign". The tryptophan amino acid residue is found in multiple mammalian species, which suggests that this missense change does not adversely affect protein function. In summary, the available evidence is currently insufficient to determine the role of this variant in disease. Therefore, it has been classified as a Variant of Uncertain Significance.

Ambry Genetics
Classification: Uncertain significance. Last evaluated: 2024-09-09. Review status: criteria provided, single submitter. Criteria: Ambry Variant Classification Scheme 2023. Collection method: clinical testing. Allele origin: germline.